The following is an entry in ClinVar:

ClinVar aggregate classification (germline): Likely benign (1 of 4 stars; one submission).

Conditions:
Ehlers-Danlos syndrome, type 4 (EDSVASC). Also called: Ehlers-Danlos syndrome vascular type; Ehlers Danlos syndrome, ecchymotic type; Ehlers Danlos syndrome, arterial type; Ehlers Danlos syndrome, Sack-Barabas type; Ehlers-Danlos Syndrome Type IV. Identifiers: Orphanet 286, MedGen C0268338, MONDO:0017314, OMIM 130050.

Submission:

All of Us Research Program, National Institutes of Health
Classification: Likely benign for Ehlers-Danlos syndrome, type 4. Last evaluated: 2024-05-14. Review status: criteria provided, single submitter. Criteria: ACMG Guidelines, 2015. Collection method: clinical testing. Allele origin: germline. Inheritance: Autosomal dominant inheritance. Observed: 1 variant allele, 1 heterozygote.
Comment: This study involves interpretation of variants in research participants for the purpose of population health screening. Participant phenotype was not available at the time of variant classification. Additional details can be found in publication PMID: 35346344, PMCID: PMC8962531

NM_000090.4(COL3A1):c.2502T>C (p.Gly834=)

Gene: COL3A1 (collagen type III alpha 1 chain; plus strand). Cytogenetic location: 2q32.2.
Variant type: single nucleotide variant.
Coding change: c.2502T>C on transcript NM_000090.4 (MANE Select); coding-DNA position 2502, T replaced by C.
Protein change: p.Gly834=; no amino-acid change (glycine 834 retained).
Molecular consequence: synonymous variant.
Genome position (GRCh38, 1-based): chr2:189,003,011, T>C. VCF-style: chr2-189003011-T-C. GRCh37 (hg19) VCF-style: chr2-189867737-T-C.
Identifiers: ClinVar variation 3386468 (VCV003386468.1).